The following is an entry in ClinVar:

ClinVar aggregate classification (germline): Uncertain significance (1 of 4 stars; one submission).

Conditions:
Intellectual developmental disorder, autosomal dominant 1. Also called: MBD5 Haploinsufficiency; Intellectual disability, autosomal dominant 1. Identifiers: Orphanet 228402, MedGen C1969562, MONDO:0007974, OMIM 156200.

gnomAD v4.1: 5 of 1,613,804 alleles (0.00031%); highest among the groups gnomAD compares: Non-Finnish European, 0.00042%; no homozygotes.

Submission:

Labcorp Genetics (formerly Invitae), Labcorp
Classification: Uncertain significance for Intellectual developmental disorder, autosomal dominant 1. Last evaluated: 2024-03-17. Review status: criteria provided, single submitter. Criteria: Invitae Variant Classification Sherloc (09022015). Collection method: clinical testing. Allele origin: germline.
Comment: This sequence change replaces serine, which is neutral and polar, with cysteine, which is neutral and slightly polar, at codon 549 of the MBD5 protein (p.Ser549Cys). This variant is present in population databases (rs796052710, gnomAD 0.007%). This variant has not been reported in the literature in individuals affected with MBD5-related conditions. Advanced modeling of protein sequence and biophysical properties (such as structural, functional, and spatial information, amino acid conservation, physicochemical variation, residue mobility, and thermodynamic stability) performed at Invitae indicates that this missense variant is not expected to disrupt MBD5 protein function with a negative predictive value of 80%. In summary, the available evidence is currently insufficient to determine the role of this variant in disease. Therefore, it has been classified as a Variant of Uncertain Significance.

NM_001378120.1(MBD5):c.1645A>T (p.Ser549Cys)

Gene: MBD5 (methyl-CpG binding domain protein 5; plus strand). Cytogenetic location: 2q23.1.
Variant type: single nucleotide variant.
Coding change: c.1645A>T on transcript NM_001378120.1 (MANE Select); coding-DNA position 1645, A replaced by T.
Protein change: p.Ser549Cys; replaces serine 549 with cysteine.
Molecular consequence: missense variant.
Genome position (GRCh38, 1-based): chr2:148,469,588, A>T. VCF-style: chr2-148469588-A-T. GRCh37 (hg19) VCF-style: chr2-149227157-A-T.
Other names: c.1645A>T, p.Ser549Cys (NM_018328.5); short protein forms S549C.
Identifiers: ClinVar variation 3691119 (VCV003691119.2), dbSNP rs796052710.